The following is an entry in ClinVar:

NM_033337.3(CAV3):c.10_17del (p.Glu4fs)

Gene: CAV3 (caveolin 3; plus strand). Cytogenetic location: 3p25.3.
Variant type: Deletion.
Coding change: c.10_17del on transcript NM_033337.3 (MANE Select); coding-DNA positions 10 to 17, 8 bases deleted (GAAGAGCA; older notation c.10_17delGAAGAGCA).
Protein change: p.Glu4fs; shifts the reading frame from glutamic acid 4.
Molecular consequence: frameshift variant.
Genome position (GRCh38, 1-based): chr3:8,733,886-8,733,893, GAAGAGCA deleted; deleting any 8 consecutive bases within chr3:8,733,883-8,733,893 gives the same sequence; the c. name uses the placement nearest the transcript's 3' end. VCF-style (leftmost placement, unchanged base first): chr3-8733882-GGCAGAAGA-G. GRCh37 (hg19) VCF-style: chr3-8775568-GGCAGAAGA-G.
Other names: c.10_17delGAAGAGCA (NM_033337.2); c.10_17del, p.Glu4fs (NM_001234.5); short protein forms E4fs.
Identifiers: ClinVar variation 290919 (VCV000290919.17), dbSNP rs778914298, ClinGen allele CA2236276.

ClinVar aggregate classification (germline): Conflicting classifications of pathogenicity. Review status: criteria provided, conflicting classifications (1 of 4 stars). 6 submissions from 6 submitters: Pathogenic (3); Likely pathogenic (1); Uncertain significance (2). Last evaluated 2026-01-30.

Conditions:
Long QT syndrome (LQTS). Identifiers: MedGen C0023976, MeSH D008133, MONDO:0002442. Disease mechanism: loss of function. Inheritance: Various modes of inheritance.
Elevated circulating creatine kinase activity. Also called: Elevated serum creatine phosphokinase; Elevated circulating creatine kinase concentration; Elevated creatine kinase. Identifiers: MedGen C0241005, HP:0003236.
Cardiovascular phenotype. Identifiers: MedGen CN230736.

Submissions (6):

GeneDx
Classification: Likely pathogenic. Last evaluated: 2026-01-30. Review status: criteria provided, single submitter. Criteria: GeneDx Variant Classification Process June 2021. Collection method: clinical testing. Allele origin: germline.
Comment: Not observed at significant frequency in large population cohorts (gnomAD); Frameshift variant predicted to result in protein truncation, as the last 148 amino acids are replaced with 16 different amino acids, and other loss-of-function variants have been reported downstream in the Human Gene Mutation Database (HGMD); Has not been previously published as pathogenic or benign in association with a CAV3-related disorder to our knowledge; Also known as c.7_14del; This variant is associated with the following publications: (PMID: 25630502, 36129056)

Labcorp Genetics (formerly Invitae), Labcorp
Classification: Pathogenic for Long QT syndrome. Last evaluated: 2026-01-12. Review status: criteria provided, single submitter. Criteria: Invitae Variant Classification Sherloc (09022015). Collection method: clinical testing. Allele origin: germline.
Comment: This sequence change creates a premature translational stop signal (p.Glu4Hisfs*17) in the CAV3 gene. It is expected to result in an absent or disrupted protein product. Loss-of-function variants in CAV3 are known to be pathogenic (PMID: 18487559). This variant is present in population databases (rs778914298, gnomAD 0.008%). This variant has not been reported in the literature in individuals affected with CAV3-related conditions. ClinVar contains an entry for this variant (Variation ID: 290919). For these reasons, this variant has been classified as Pathogenic.

Mendelics
Classification: Pathogenic for Creatine phosphokinase, elevated serum. Last evaluated: 2022-05-04. Review status: criteria provided, single submitter. Criteria: Mendelics Assertion Criteria 2019. Collection method: clinical testing. Allele origin: germline.

AiLife Diagnostics
Classification: Uncertain significance. Last evaluated: 2022-01-20. Review status: criteria provided, single submitter. Criteria: ACMG Guidelines, 2015. Collection method: clinical testing. Allele origin: germline. Affected: yes. Observed: 1 variant allele.

Ambry Genetics
Classification: Uncertain significance for Cardiovascular phenotype. Last evaluated: 2021-12-16. Review status: criteria provided, single submitter. Criteria: Ambry Variant Classification Scheme 2023. Collection method: clinical testing. Allele origin: germline.
Comment: The c.10_17delGAAGAGCA variant, located in coding exon 1 of the CAV3 gene, results from a deletion of 8 nucleotides at nucleotide positions 10 to 17, causing a translational frameshift with a predicted alternate stop codon (p.E4Hfs*17). This alteration is expected to result in loss of function by premature protein truncation or nonsense-mediated mRNA decay. Although truncating variants have been implicated in autosomal recessive caveolinopathy, loss of function has not been established as a mechanism of disease for autosomal dominant caveolinopathy (M&uuml;ller JS et al. Neuromuscul Disord, 2006 Jul;16:432-6; Ueyama H et al. Neuromuscul Disord, 2007 Jul;17:558-61; Traverso M et al. J Neurol Neurosurg Psychiatry, 2008 Jun;79:735-7). Based on the supporting evidence, this variant is expected to be pathogenic for autosomal recessive caveolinopathy when present along with a second pathogenic variant on the other allele; however, the clinical significance of this variant in the heterozygous state is unclear.

Eurofins Ntd Llc (ga)
Classification: Pathogenic. Last evaluated: 2016-08-24. Review status: criteria provided, single submitter. Criteria: EGL Classification Definitions 2015. Collection method: clinical testing. Allele origin: germline. Observed: 1 variant allele, 1 homozygote.

Literature cited by the submitters: PubMed 18487559 (cited by Labcorp Genetics (formerly Invitae), Labcorp).